The following is an entry in ClinVar:

ClinVar aggregate classification (germline): Uncertain significance (1 of 4 stars; one submission).

Conditions:
Long QT syndrome (LQTS). Identifiers: MedGen C0023976, MeSH D008133, MONDO:0002442. Disease mechanism: loss of function. Inheritance: Various modes of inheritance.

Allele frequency attached by ClinVar (database versions not stated): gnomAD below 0.00001 and 0.00001; TOPMed below 0.00001; gnomAD exomes 0.00002 and 0.00003; ExAC 0.00004.
gnomAD v4.1: 34 of 1,598,016 alleles (0.0021%); highest among the groups gnomAD compares: South Asian, 0.033%; no homozygotes.

Submission:

Labcorp Genetics (formerly Invitae), Labcorp
Classification: Uncertain significance for Long QT syndrome. Last evaluated: 2020-07-29. Review status: criteria provided, single submitter. Criteria: Invitae Variant Classification Sherloc (09022015). Collection method: clinical testing. Allele origin: germline.
Comment: This sequence change replaces leucine with valine at codon 2606 of the AKAP9 protein (p.Leu2606Val). The leucine residue is moderately conserved and there is a small physicochemical difference between leucine and valine. This variant is present in population databases (rs774041291, ExAC 0.03%). This variant has not been reported in the literature in individuals with AKAP9-related conditions. Algorithms developed to predict the effect of missense changes on protein structure and function output the following: SIFT: "Tolerated"; PolyPhen-2: "Benign"; Align-GVGD: "Class C0". The valine amino acid residue is found in multiple mammalian species, suggesting that this missense change does not adversely affect protein function. These predictions have not been confirmed by published functional studies and their clinical significance is uncertain. Algorithms developed to predict the effect of sequence changes on RNA splicing suggest that this variant may create or strengthen a splice site, but this prediction has not been confirmed by published transcriptional studies. In summary, the available evidence is currently insufficient to determine the role of this variant in disease. Therefore, it has been classified as a Variant of Uncertain Significance.

NM_005751.5(AKAP9):c.7816T>G (p.Leu2606Val)

Gene: AKAP9 (A-kinase anchoring protein 9; plus strand). Cytogenetic location: 7q21.2.
Variant type: single nucleotide variant.
Coding change: c.7816T>G on transcript NM_005751.5 (MANE Select); coding-DNA position 7816, T replaced by G.
Protein change: p.Leu2606Val; replaces leucine 2606 with valine.
Molecular consequence: missense variant.
Genome position (GRCh38, 1-based): chr7:92,079,949, T>G. VCF-style: chr7-92079949-T-G. GRCh37 (hg19) VCF-style: chr7-91709263-T-G.
Other names: c.2461T>G, p.Leu821Val (NM_001379277.1); c.7792T>G, p.Leu2598Val (NM_147185.3); short protein forms L821V, L2598V, L2606V.
Identifiers: ClinVar variation 1041416 (VCV001041416.8), dbSNP rs774041291, ClinGen allele CA4337353.